The following is an entry in ClinVar:

ClinVar aggregate classification (germline): Uncertain significance (1 of 4 stars; one submission).

Conditions:
Early-infantile DEE. Also called: Early infantile epileptic encephalopathy; Ohtahara syndrome; Early infantile epileptic encephalopathy with suppression bursts. Identifiers: Orphanet 1934, MedGen C0393706, MONDO:0800491.

Submission:

Labcorp Genetics (formerly Invitae), Labcorp
Classification: Uncertain significance for Early-infantile DEE. Last evaluated: 2025-02-17. Review status: criteria provided, single submitter. Criteria: Invitae Variant Classification Sherloc (09022015). Collection method: clinical testing. Allele origin: germline.
Comment: This sequence change replaces glutamine, which is neutral and polar, with glutamic acid, which is acidic and polar, at codon 210 of the SPTAN1 protein (p.Gln210Glu). This variant is not present in population databases (gnomAD no frequency). This variant has not been reported in the literature in individuals affected with SPTAN1-related conditions. Invitae Evidence Modeling of protein sequence and biophysical properties (such as structural, functional, and spatial information, amino acid conservation, physicochemical variation, residue mobility, and thermodynamic stability) has been performed for this missense variant. However, the output from this modeling did not meet the statistical confidence thresholds required to predict the impact of this variant on SPTAN1 protein function. In summary, the available evidence is currently insufficient to determine the role of this variant in disease. Therefore, it has been classified as a Variant of Uncertain Significance.

NM_001130438.3(SPTAN1):c.628C>G (p.Gln210Glu)

Gene: SPTAN1 (spectrin alpha, non-erythrocytic 1; plus strand). Cytogenetic location: 9q34.11.
Variant type: single nucleotide variant.
Coding change: c.628C>G on transcript NM_001130438.3 (MANE Select); coding-DNA position 628, C replaced by G.
Protein change: p.Gln210Glu; replaces glutamine 210 with glutamic acid.
Molecular consequence: missense variant.
Genome position (GRCh38, 1-based): chr9:128,575,322, C>G. VCF-style: chr9-128575322-C-G. GRCh37 (hg19) VCF-style: chr9-131337601-C-G.
Other names: c.628C>G, p.Gln210Glu (NM_001195532.2, NM_001363759.2, NM_001363765.2 and 5 more transcripts); c.664C>G, p.Gln222Glu (NM_001375312.2, NM_001375318.1); short protein forms Q210E, Q222E.
Identifiers: ClinVar variation 3635895 (VCV003635895.2).